The following is an entry in ClinVar:

ClinVar aggregate classification (germline): Pathogenic (1 of 4 stars; one submission).

Submission:

Labcorp Genetics (formerly Invitae), Labcorp
Classification: Pathogenic. Last evaluated: 2024-02-08. Review status: criteria provided, single submitter. Criteria: Invitae Variant Classification Sherloc (09022015). Collection method: clinical testing. Allele origin: germline.
Comment: This sequence change creates a premature translational stop signal (p.Ser1238Trpfs*19) in the CDH23 gene. It is expected to result in an absent or disrupted protein product. Loss-of-function variants in CDH23 are known to be pathogenic (PMID: 11138009, 21940737). This variant is not present in population databases (gnomAD no frequency). This premature translational stop signal has been observed in individual(s) with CDH23-related conditions (PMID: 18484607). This variant is also known as c.3713_3714delCT (p.Ser1238fs). For these reasons, this variant has been classified as Pathogenic.

Literature cited by the submitters: PubMed 11138009; PubMed 21940737; PubMed 18484607.

NM_022124.6(CDH23):c.3713_3714del (p.Ser1238fs)

Genes: C10orf105 (chromosome 10 open reading frame 105; minus strand), CDH23 (cadherin related 23; plus strand). Cytogenetic location: 10q22.1.
Variant type: Microsatellite.
Coding change: c.3713_3714del on transcript NM_022124.6 (MANE Select); coding-DNA positions 3713 to 3714, 2 bases deleted (CT; older notation c.3713_3714delCT).
Protein change: p.Ser1238fs; shifts the reading frame from serine 1238.
Molecular consequence: frameshift variant. On other transcripts: intron variant (1).
Genome position (GRCh38, 1-based): chr10:71,730,602-71,730,603, CT deleted; deleting any 2 consecutive bases within chr10:71,730,600-71,730,603 gives the same sequence; the c. name uses the placement nearest the transcript's 3' end. VCF-style (leftmost placement, unchanged base first): chr10-71730599-ACT-A. GRCh37 (hg19) VCF-style: chr10-73490356-ACT-A.
Other names: c.3713_3714del, p.Ser1238fs (NM_001171930.2); c.-6+7127_-6+7128del (NM_001168390.2); short protein forms S1238fs.
Identifiers: ClinVar variation 1458297 (VCV001458297.7), dbSNP rs2132820475, ClinGen allele CA2580615502.
Genomic context (GRCh38, chr10:71,730,599, plus strand): 5'-GGCTTCGAGAGACCGCAGGCATTGGAACGTCAGTCATCGTGGTCCAAGCCACAGACCGAG[ACT>A]CTGGTGAGGCTGGCAGGAGGAAGCCGGGGATCCCATTGCTCAGAGCAAACCTCCCCAGCT-3'